The following is an entry in ClinVar:

ClinVar aggregate classification (germline): Benign/Likely benign. Review status: criteria provided, multiple submitters, no conflicts (2 of 4 stars). 6 submissions from 6 submitters: Benign (1); Likely benign (5). Last evaluated 2026-02-02.

Conditions:
Anemia, congenital dyserythropoietic, type 1a (CDAN1A). Also called: DYSERYTHROPOIETIC ANEMIA, CONGENITAL, TYPE Ia; CDAN1-Related Congenital Dyserythropoietic Anemia. Identifiers: MedGen C5574667, MONDO:0009135, OMIM 224120.
CDAN1-related disorder. Also called: CDAN1-related condition.
Congenital dyserythropoietic anemia, type I. Also called: Dyserythropoietic anemia, congenital type 1. Identifiers: Orphanet 98869, MedGen C0271933, MONDO:0020337. Disease mechanism: loss of function.

Allele frequency attached by ClinVar (database versions not stated): ESP Exome Variant Server 0.00008; gnomAD exomes 0.00008 and 0.00038; gnomAD 0.00024 and 0.00027; TOPMed 0.00026; 1000 Genomes Project 30x 0.00031; ExAC 0.00034; 1000 Genomes Project 0.00040.
gnomAD v4.1: 219 of 1,613,782 alleles (0.014%); highest among the groups gnomAD compares: East Asian, 0.27%; no homozygotes.

Submissions (6):

Labcorp Genetics (formerly Invitae), Labcorp
Classification: Benign. Last evaluated: 2026-02-02. Review status: criteria provided, single submitter. Criteria: Invitae Variant Classification Sherloc (09022015). Collection method: clinical testing. Allele origin: germline.

PreventionGenetics, part of Exact Sciences
Classification: Likely benign for CDAN1-related condition. Last evaluated: 2025-04-12. Review status: criteria provided, single submitter. Criteria: ACMG Guidelines, 2015. Collection method: clinical testing. Allele origin: germline.
Comment: This variant is classified as likely benign based on ACMG/AMP sequence variant interpretation guidelines (Richards et al. 2015 PMID: 25741868, with internal and published modifications).

Mayo Clinic Laboratories, Mayo Clinic
Classification: Likely benign. Last evaluated: 2024-12-06. Review status: criteria provided, single submitter. Criteria: ACMG Guidelines, 2015. Collection method: clinical testing. Allele origin: germline. Observed: 4 variant alleles.

Blueprint Genetics
Classification: Likely benign. Last evaluated: 2024-10-22. Review status: criteria provided, single submitter. Criteria: ACMG Guidelines, 2015. Collection method: clinical testing. Allele origin: germline.

ARUP Laboratories, Molecular Genetics and Genomics, ARUP Laboratories
Classification: Likely benign for Anemia, congenital dyserythropoietic, type 1a. Last evaluated: 2024-10-15. Review status: criteria provided, single submitter. Criteria: ARUP Molecular Germline Variant Investigation Process 2024. Collection method: clinical testing. Allele origin: germline.

Illumina Laboratory Services, Illumina
Classification: Likely benign for Anemia, congenital dyserythropoietic, type 1a. Last evaluated: 2018-01-13. Review status: criteria provided, single submitter. Criteria: ICSL Variant Classification Criteria 13 December 2019. Collection method: clinical testing. Allele origin: germline.
Comment: This variant was observed in the ICSL laboratory as part of a predisposition screen in an ostensibly healthy population. It had not been previously curated by ICSL or reported in the Human Gene Mutation Database (HGMD: prior to June 1st, 2018), and was therefore a candidate for classification through an automated scoring system. Utilizing variant allele frequency, disease prevalence and penetrance estimates, and inheritance mode, an automated score was calculated to assess if this variant is too frequent to cause the disease. Based on the score and internal cut-off values, a variant classified as likely benign is not then subjected to further curation. The score for this variant resulted in a classification of likely benign for this disease.

NM_138477.4(CDAN1):c.2869-5C>T

Gene: CDAN1 (codanin 1; minus strand). Cytogenetic location: 15q15.2.
Variant type: single nucleotide variant.
Coding change: c.2869-5C>T on transcript NM_138477.4 (MANE Select); 5 bases into the intron before coding-DNA position 2869, C replaced by T.
Molecular consequence: intron variant.
Genome position (GRCh38, 1-based): chr15:42,728,038, G>A on the plus strand (C>T on the coding strand, the complement: CDAN1 is on the minus strand). VCF-style: chr15-42728038-G-A. GRCh37 (hg19) VCF-style: chr15-43020236-G-A.
Other names: p.?; c.2869-5C>T (LRG_1164t1).
Identifiers: ClinVar variation 315926 (VCV000315926.24), dbSNP rs370304543, ClinGen allele CA7515402.